The following is an entry in ClinVar:

ClinVar aggregate classification (germline): Uncertain significance. Review status: criteria provided, multiple submitters, no conflicts (2 of 4 stars). 3 submissions from 3 submitters: Uncertain significance (3). Last evaluated 2023-01-10.

Conditions:
Inborn genetic diseases. Identifiers: MedGen C0950123, MeSH D030342.
Autosomal recessive limb-girdle muscular dystrophy type 2P. Also called: Limb-Girdle Muscular Dystrophy Type 9C; MUSCULAR DYSTROPHY, LIMB-GIRDLE, TYPE 2P; MUSCULAR DYSTROPHY-DYSTROGLYCANOPATHY, LIMB-GIRDLE, DAG1-RELATED. Identifiers: Orphanet 280333, MedGen C4511963, MONDO:0013440, OMIM 613818.
Muscular dystrophy-dystroglycanopathy (congenital with brain and eye anomalies), type A9. Also called: Muscular dystrophy-dystroglycanopathy (congenital with brain and eye anomalies), type a, 9; WALKER-WARBURG SYNDROME OR MUSCLE-EYE BRAIN DISEASE, DAG1-RELATED. Identifiers: Orphanet 370997, Orphanet 899, MedGen C4225291, MONDO:0014683, OMIM 616538.

Allele frequency attached by ClinVar (database versions not stated): gnomAD exomes 0.00001 and 0.00003; ExAC 0.00006; 1000 Genomes Project 30x 0.00016; gnomAD 0.00017 and 0.00018; 1000 Genomes Project 0.00020; TOPMed 0.00020.

Submissions (3):

Ambry Genetics
Classification: Uncertain significance for Inborn genetic diseases. Last evaluated: 2023-01-10. Review status: criteria provided, single submitter. Criteria: Ambry Variant Classification Scheme 2023. Collection method: clinical testing. Allele origin: germline.

Labcorp Genetics (formerly Invitae), Labcorp
Classification: Uncertain significance for Autosomal recessive limb-girdle muscular dystrophy type 2P; Muscular dystrophy-dystroglycanopathy (congenital with brain and eye anomalies), type A9. Last evaluated: 2022-10-05. Review status: criteria provided, single submitter. Criteria: Invitae Variant Classification Sherloc (09022015). Collection method: clinical testing. Allele origin: germline.
Comment: This sequence change replaces alanine, which is neutral and non-polar, with valine, which is neutral and non-polar, at codon 610 of the DAG1 protein (p.Ala610Val). This variant is present in population databases (rs537920451, gnomAD 0.05%). This variant has not been reported in the literature in individuals affected with DAG1-related conditions. ClinVar contains an entry for this variant (Variation ID: 650337). Advanced modeling of protein sequence and biophysical properties (such as structural, functional, and spatial information, amino acid conservation, physicochemical variation, residue mobility, and thermodynamic stability) performed at Invitae indicates that this missense variant is not expected to disrupt DAG1 protein function. Algorithms developed to predict the effect of sequence changes on RNA splicing suggest that this variant may create or strengthen a splice site. In summary, the available evidence is currently insufficient to determine the role of this variant in disease. Therefore, it has been classified as a Variant of Uncertain Significance.

Revvity Omics, Revvity
Classification: Uncertain significance. Last evaluated: 2019-11-18. Review status: criteria provided, single submitter. Criteria: ACMG Guidelines, 2015. Collection method: clinical testing. Allele origin: germline.

NM_004393.6(DAG1):c.1829C>T (p.Ala610Val)

Gene: DAG1 (dystroglycan 1; plus strand). Cytogenetic location: 3p21.31.
Variant type: single nucleotide variant.
Coding change: c.1829C>T on transcript NM_004393.6 (MANE Select); coding-DNA position 1829, C replaced by T.
Protein change: p.Ala610Val; replaces alanine 610 with valine.
Molecular consequence: missense variant.
Genome position (GRCh38, 1-based): chr3:49,532,340, C>T. VCF-style: chr3-49532340-C-T. GRCh37 (hg19) VCF-style: chr3-49569773-C-T.
Other names: c.1829C>T (NM_004393.4); c.1829C>T, p.Ala610Val (NM_001165928.4, NM_001177634.3, NM_001177635.3 and 9 more transcripts); short protein forms A610V.
Identifiers: ClinVar variation 650337 (VCV000650337.9), dbSNP rs537920451, ClinGen allele CA2399157.